The following is an entry in ClinVar:

ClinVar aggregate classification (germline): Uncertain significance (1 of 4 stars; one submission).

Conditions:
Episodic kinesigenic dyskinesia (EKD). Also called: Paroxysmal kinesigenic dyskinesia. Identifiers: Orphanet 98809, MedGen C1868682, MONDO:0044202.

Submission:

Labcorp Genetics (formerly Invitae), Labcorp
Classification: Uncertain significance for Episodic kinesigenic dyskinesia. Last evaluated: 2024-05-05. Review status: criteria provided, single submitter. Criteria: Invitae Variant Classification Sherloc (09022015). Collection method: clinical testing. Allele origin: germline.
Comment: This sequence change replaces proline, which is neutral and non-polar, with threonine, which is neutral and polar, at codon 152 of the PRRT2 protein (p.Pro152Thr). This variant is not present in population databases (gnomAD no frequency). This variant has not been reported in the literature in individuals affected with PRRT2-related conditions. Advanced modeling of protein sequence and biophysical properties (such as structural, functional, and spatial information, amino acid conservation, physicochemical variation, residue mobility, and thermodynamic stability) performed at Invitae indicates that this missense variant is not expected to disrupt PRRT2 protein function with a negative predictive value of 95%. In summary, the available evidence is currently insufficient to determine the role of this variant in disease. Therefore, it has been classified as a Variant of Uncertain Significance.

NM_145239.3(PRRT2):c.454C>A (p.Pro152Thr)

Genes: MVP-DT (MVP divergent transcript; minus strand), PRRT2 (proline rich transmembrane protein 2; plus strand). Cytogenetic location: 16p11.2.
Variant type: single nucleotide variant.
Coding change: c.454C>A on transcript NM_145239.3 (MANE Select); coding-DNA position 454, C replaced by A.
Protein change: p.Pro152Thr; replaces proline 152 with threonine.
Molecular consequence: missense variant.
Genome position (GRCh38, 1-based): chr16:29,813,508, C>A. VCF-style: chr16-29813508-C-A. GRCh37 (hg19) VCF-style: chr16-29824829-C-A.
Other names: c.454C>A, p.Pro152Thr (NM_001256442.2, NM_001256443.2); short protein forms P152T.
Identifiers: ClinVar variation 3637520 (VCV003637520.2).
Genomic context (GRCh38, chr16:29,813,508, plus strand): 5'-CCTGAACCAGCCCCAGAGCCTGCTCCCCAACCAGACCCCCGGCCAGATTCCCAGCCTACC[C>A]CCAAGCCAGCCCTTCAACCAGAGCTCCCTACCCAGGAGGACCCCACCCCTGAGATTCTGT-3'
Protein context (NP_660282.2, residues 142-162): PDPRPDSQPT[Pro152Thr]KPALQPELPT